The following is an entry in ClinVar:

NM_000232.5(SGCB):c.551_552del (p.Asp183_Tyr184insTer)

Gene: SGCB (sarcoglycan beta; minus strand). Cytogenetic location: 4q12.
Variant type: Deletion.
Coding change: c.551_552del on transcript NM_000232.5 (MANE Select); coding-DNA positions 551 to 552, 2 bases deleted (AT; older notation c.551_552delAT).
Protein change: p.Asp183_Tyr184insTer.
Molecular consequence: nonsense.
Genome position (GRCh38, 1-based): chr4:52,028,799-52,028,800, AT deleted on the plus strand (AT on the coding strand, the reverse complement: SGCB is on the minus strand); deleting any 2 consecutive bases within chr4:52,028,799-52,028,801 gives the same sequence; the c. name uses the placement nearest the transcript's 3' end. VCF-style (leftmost placement, unchanged base first): chr4-52028798-CAT-C. GRCh37 (hg19) VCF-style: chr4-52894964-CAT-C.
Other names: c.551_552delAT (NM_000232.4).
Identifiers: ClinVar variation 371156 (VCV000371156.14), dbSNP rs1057517051, ClinGen allele CA16040954.

ClinVar aggregate classification (germline): Pathogenic. Review status: criteria provided, single submitter (1 of 4 stars). 2 submissions from 2 submitters: Pathogenic (1). 1 of the submissions does not count toward it. Last evaluated 2026-01-05.

Conditions:
Autosomal recessive limb-girdle muscular dystrophy type 2E (LGMDR4). Also called: MUSCULAR DYSTROPHY, LIMB-GIRDLE, AUTOSOMAL RECESSIVE 4. Identifiers: Orphanet 119, MedGen C1858593, MONDO:0011423, OMIM 604286. Disease mechanism: Affects gamma-sarcoglycan and also disrupts the integrity of the entire sarcoglycan complex..

Submissions (2):

Labcorp Genetics (formerly Invitae), Labcorp
Classification: Pathogenic for Autosomal recessive limb-girdle muscular dystrophy type 2E. Last evaluated: 2026-01-05. Review status: criteria provided, single submitter. Criteria: Invitae Variant Classification Sherloc (09022015). Collection method: clinical testing. Allele origin: germline.
Comment: This sequence change creates a premature translational stop signal (p.Tyr184*) in the SGCB gene. It is expected to result in an absent or disrupted protein product. Loss-of-function variants in SGCB are known to be pathogenic (PMID: 15938573, 18285821). This variant is not present in population databases (gnomAD no frequency). This premature translational stop signal has been observed in individuals with limb-girdle muscular dystrophy (PMID: 25862795). ClinVar contains an entry for this variant (Variation ID: 371156). For these reasons, this variant has been classified as Pathogenic.

Counsyl
Classification: Likely pathogenic for Autosomal recessive limb-girdle muscular dystrophy type 2E. Last evaluated: 2016-07-19. Review status: no assertion criteria provided. Collection method: clinical testing. Allele origin: unknown. Not counted in ClinVar's aggregate classification.

Literature cited by the submitters: PubMed 15938573 (cited by Labcorp Genetics (formerly Invitae), Labcorp); PubMed 18285821 (cited by Labcorp Genetics (formerly Invitae), Labcorp); PubMed 25862795 (cited by Labcorp Genetics (formerly Invitae), Labcorp).